The following is an entry in ClinVar:

ClinVar aggregate classification (germline): Benign. Review status: criteria provided, multiple submitters, no conflicts (2 of 4 stars). 4 submissions from 4 submitters: Benign (4). Last evaluated 2026-02-04.

Conditions:
Autosomal recessive polycystic kidney disease (ARPKD). Also called: AR polycystic kidney disease. Identifiers: Orphanet 731, Orphanet 8378, MedGen C0085548, MeSH D017044, MONDO:0009889.

Submissions (4):

Labcorp Genetics (formerly Invitae), Labcorp
Classification: Benign for Autosomal recessive polycystic kidney disease. Last evaluated: 2026-02-04. Review status: criteria provided, single submitter. Criteria: Invitae Variant Classification Sherloc (09022015). Collection method: clinical testing. Allele origin: germline.

Blueprint Genetics
Classification: Benign. Last evaluated: 2024-11-26. Review status: criteria provided, single submitter. Criteria: ACMG Guidelines, 2015. Collection method: clinical testing. Allele origin: germline.

Mayo Clinic Laboratories, Mayo Clinic
Classification: Benign. Last evaluated: 2021-11-23. Review status: criteria provided, single submitter. Criteria: ACMG Guidelines, 2015. Collection method: clinical testing. Allele origin: germline. Observed: 33 variant alleles.
Comment: BA1, BP4

GeneDx
Classification: Benign. Last evaluated: 2019-08-21. Review status: criteria provided, single submitter. Criteria: GeneDx Variant Classification Process June 2021. Collection method: clinical testing. Allele origin: germline. Affected: yes.

NM_138694.4(PKHD1):c.11665+9dup

Gene: PKHD1 (PKHD1 ciliary IPT domain containing fibrocystin/polyductin; minus strand). Cytogenetic location: 6p12.3.
Variant type: Duplication.
Coding change: c.11665+9dup on transcript NM_138694.4 (MANE Select); 9 bases into the intron after coding-DNA position 11665, one base duplicated (T; older notation c.11665+9dupT).
Molecular consequence: intron variant.
Genome position (GRCh38, 1-based): chr6:51,632,547, A duplicated on the plus strand (T on the coding strand, the reverse complement: PKHD1 is on the minus strand); the first of 10 consecutive A bases (chr6:51,632,547-51,632,556); duplicating any one gives the same sequence. VCF-style (leftmost placement, unchanged base first): chr6-51632546-T-TA. GRCh37 (hg19) VCF-style: chr6-51497344-T-TA.
Other names: p.?; c.11665+18dup (NM_138694.4).
Identifiers: ClinVar variation 1164742 (VCV001164742.12), dbSNP rs373325476, ClinGen allele CA3850762.